The following is an entry in ClinVar:

NM_080732.4(EGLN2):c.491G>T (p.Gly164Val)

Genes: EGLN2 (egl-9 family hypoxia inducible factor 2; plus strand), RAB4B-EGLN2 (RAB4B-EGLN2 readthrough (NMD candidate); plus strand). Cytogenetic location: 19q13.2.
Variant type: single nucleotide variant.
Coding change: c.491G>T on transcript NM_080732.4 (MANE Select); coding-DNA position 491, G replaced by T.
Protein change: p.Gly164Val; replaces glycine 164 with valine.
Molecular consequence: missense variant. On other transcripts: non-coding transcript variant (1).
Genome position (GRCh38, 1-based): chr19:40,801,063, G>T. VCF-style: chr19-40801063-G-T. GRCh37 (hg19) VCF-style: chr19-41306968-G-T.
Other names: c.491G>T, p.Gly164Val (NM_053046.4); short protein forms G164V.
Identifiers: ClinVar variation 3507258 (VCV003507258.1).

ClinVar aggregate classification (germline): Uncertain significance (1 of 4 stars; one submission).

Submission:

Ambry Genetics
Classification: Uncertain significance. Last evaluated: 2024-08-27. Review status: criteria provided, single submitter. Criteria: Ambry Variant Classification Scheme 2023. Collection method: clinical testing. Allele origin: germline.
Comment: The p.G164V variant (also known as c.491G>T), located in coding exon 1 of the EGLN2 gene, results from a G to T substitution at nucleotide position 491. The glycine at codon 164 is replaced by valine, an amino acid with dissimilar properties. This amino acid position is conserved. In addition, this alteration is predicted to be tolerated by in silico analysis. Based on the available evidence, the clinical significance of this variant remains unclear.